The following is an entry in ClinVar:

ClinVar aggregate classification (germline): Pathogenic (1 of 4 stars; one submission).

Conditions:
Autosomal recessive multiple pterygium syndrome. Also called: MULTIPLE PTERYGIUM SYNDROME, ESCOBAR VARIANT; PTERYGIUM COLLI SYNDROME; PTERYGIUM SYNDROME; PTERYGIUM UNIVERSALE. Identifiers: Orphanet 2990, MedGen C0265261, MONDO:0009926, OMIM 265000.

Submission:

3billion
Classification: Pathogenic for Autosomal recessive multiple pterygium syndrome. Last evaluated: 2024-08-21. Review status: criteria provided, single submitter. Criteria: ACMG Guidelines, 2015. Collection method: clinical testing. Allele origin: germline. Affected: yes.
Comment: The variant is not observed in the gnomAD v4.0.0 dataset. Predicted Consequence/Location: Frameshift: predicted to result in a loss or disruption of normal protein function through nonsense-mediated decay (NMD) or protein truncation. Multiple pathogenic variants are reported downstream of the variant. Therefore, this variant is classified as Pathogenic according to the recommendation of ACMG/AMP guideline.

NM_005199.5(CHRNG):c.426_432del (p.Pro143fs)

Gene: CHRNG (cholinergic receptor nicotinic gamma subunit; plus strand). Cytogenetic location: 2q37.1.
Variant type: Deletion.
Coding change: c.426_432del on transcript NM_005199.5 (MANE Select); coding-DNA positions 426 to 432, 7 bases deleted (GCCTGCC; older notation c.426_432delGCCTGCC).
Protein change: p.Pro143fs; shifts the reading frame from proline 143.
Molecular consequence: frameshift variant.
Genome position (GRCh38, 1-based): chr2:232,541,449-232,541,455, GCCTGCC deleted; deleting any 7 consecutive bases within chr2:232,541,444-232,541,455 gives the same sequence; the c. name uses the placement nearest the transcript's 3' end. VCF-style (leftmost placement, unchanged base first): chr2-232541443-GCTGCCGC-G. GRCh37 (hg19) VCF-style: chr2-233406153-GCTGCCGC-G.
Other names: short protein forms P143fs.
Identifiers: ClinVar variation 4293330 (VCV004293330.1).